The following is an entry in ClinVar:

ClinVar aggregate classification (germline): Benign. Review status: criteria provided, multiple submitters, no conflicts (2 of 4 stars). 2 submissions from 2 submitters: Benign (2). Last evaluated 2018-06-18.

Allele frequency attached by ClinVar (database versions not stated): 1000 Genomes Project 30x 0.20753; gnomAD 0.21116 and 0.21323; 1000 Genomes Project 0.21126; TOPMed 0.21380; gnomAD exomes 0.23276.
gnomAD v4.1: 53,357 of 241,692 alleles (22%); highest among the groups gnomAD compares: East Asian, 32%; 6,777 homozygotes.

Submissions (2):

GeneDx
Classification: Benign. Last evaluated: 2018-06-18. Review status: criteria provided, single submitter. Criteria: GeneDx Variant Classification (06012015). Collection method: clinical testing. Allele origin: germline. Affected: yes.
Comment: This variant is considered likely benign or benign based on one or more of the following criteria: it is a conservative change, it occurs at a poorly conserved position in the protein, it is predicted to be benign by multiple in silico algorithms, and/or has population frequency not consistent with disease.

Breakthrough Genomics
Classification: Benign. Review status: criteria provided, single submitter. Criteria: ACMG Guidelines, 2015. Collection method: not provided. Allele origin: germline. Inheritance: Autosomal dominant inheritance. Affected: yes.

NM_001040142.2(SCN2A):c.268-266T>C

Gene: SCN2A (sodium voltage-gated channel alpha subunit 2; plus strand). Cytogenetic location: 2q24.3.
Variant type: single nucleotide variant.
Coding change: c.268-266T>C on transcript NM_001040142.2 (MANE Select); 266 bases into the intron before coding-DNA position 268, T replaced by C.
Molecular consequence: intron variant.
Genome position (GRCh38, 1-based): chr2:165,296,751, T>C. VCF-style: chr2-165296751-T-C. GRCh37 (hg19) VCF-style: chr2-166153261-T-C.
Other names: c.268-266T>C (NM_001040143.2, NM_001371246.1, NM_001371247.1 and 1 more transcripts).
Identifiers: ClinVar variation 668827 (VCV000668827.2), dbSNP rs12468669, ClinGen allele CA11201639.